The following is an entry in ClinVar:

NM_001308093.3(GATA4):c.462C>T (p.Phe154=)

Gene: GATA4 (GATA binding protein 4). Cytogenetic location: 8p23.1.
Variant type: single nucleotide variant.
Coding change: c.462C>T on transcript NM_001308093.3 (MANE Select); coding-DNA position 462, C replaced by T.
Protein change: p.Phe154=; no amino-acid change (phenylalanine 154 retained).
Molecular consequence: synonymous variant. On other transcripts: intron variant (3).
Genome position (GRCh38, 1-based): chr8:11,708,774, C>T. VCF-style: chr8-11708774-C-T. GRCh37 (hg19) VCF-style: chr8-11566283-C-T.
Other names: c.462C>T, p.Phe154= (NM_002052.5); c.-6+7996C>T (NM_001308094.2); c.-3+760C>T (NM_001374274.1); c.-3+4470C>T (NM_001374273.1); c.462C>T (NM_002052.4).
Identifiers: ClinVar variation 412733 (VCV000412733.48), dbSNP rs56348550, ClinGen allele CA4630626.

ClinVar aggregate classification (germline): Benign/Likely benign. Review status: criteria provided, multiple submitters, no conflicts (2 of 4 stars). 10 submissions from 10 submitters: Benign (2); Likely benign (5). 3 of the submissions do not count toward it. Last evaluated 2026-01-28.

Conditions:
Cardiovascular phenotype. Identifiers: MedGen CN230736.
Atrioventricular septal defect 4 (AVSD4). Identifiers: MedGen C3280781, MONDO:0013747, OMIM 614430.

Allele frequency attached by ClinVar (database versions not stated): 1000 Genomes Project 0.00040; ExAC 0.00043; 1000 Genomes Project 30x 0.00062; gnomAD exomes 0.00142; TOPMed 0.00213; gnomAD 0.00221 and 0.00232.
gnomAD v4.1: 5,221 of 1,435,180 alleles (0.36%); highest among the groups gnomAD compares: Non-Finnish European, 0.44%; 11 homozygotes.

Submissions (10):

Labcorp Genetics (formerly Invitae), Labcorp
Classification: Benign for Atrioventricular septal defect 4. Last evaluated: 2026-01-28. Review status: criteria provided, single submitter. Criteria: Invitae Variant Classification Sherloc (09022015). Collection method: clinical testing. Allele origin: germline.

CeGaT Center for Human Genetics Tuebingen
Classification: Likely benign. Last evaluated: 2026-01-01. Review status: criteria provided, single submitter. Criteria: CeGaT Center For Human Genetics Tuebingen Variant Classification Criteria Version 2. Collection method: clinical testing. Allele origin: germline. Affected: yes. Observed: 5 variant alleles.
Comment: GATA4: BP4, BP7, BS2

Blueprint Genetics
Classification: Likely benign. Last evaluated: 2024-10-07. Review status: criteria provided, single submitter. Criteria: ACMG Guidelines, 2015. Collection method: clinical testing. Allele origin: germline.

Women's Health and Genetics/Laboratory Corporation of America, LabCorp
Classification: Benign. Last evaluated: 2023-02-20. Review status: criteria provided, single submitter. Criteria: LabCorp Variant Classification Summary - May 2015. Collection method: clinical testing. Allele origin: germline.

GeneDx
Classification: Likely benign. Last evaluated: 2020-12-16. Review status: criteria provided, single submitter. Criteria: GeneDx Variant Classification Process June 2021. Collection method: clinical testing. Allele origin: germline. Affected: yes.

Ambry Genetics
Classification: Likely benign for Cardiovascular phenotype. Last evaluated: 2017-03-29. Review status: criteria provided, single submitter. Criteria: Ambry Variant Classification Scheme 2023. Collection method: clinical testing. Allele origin: germline.

Breakthrough Genomics
Classification: Likely benign. Review status: criteria provided, single submitter. Criteria: ACMG Guidelines, 2015. Collection method: not provided. Allele origin: germline. Inheritance: Autosomal dominant inheritance. Affected: yes.

Genome Diagnostics Laboratory, University Medical Center Utrecht
Classification: Likely benign. Review status: no assertion criteria provided. Collection method: clinical testing. Allele origin: germline. Affected: yes. Study: VKGL Data-share Consensus. Not counted in ClinVar's aggregate classification.

Joint Genome Diagnostic Labs from Nijmegen and Maastricht, Radboudumc and MUMC+
Classification: Likely benign. Review status: no assertion criteria provided. Collection method: clinical testing. Allele origin: germline. Affected: yes. Study: VKGL Data-share Consensus. Not counted in ClinVar's aggregate classification.

Laboratory of Diagnostic Genome Analysis, Leiden University Medical Center (LUMC)
Classification: Likely benign. Review status: no assertion criteria provided. Collection method: clinical testing. Allele origin: germline. Affected: yes. Study: VKGL Data-share Consensus. Not counted in ClinVar's aggregate classification.